The following is an entry in ClinVar:

NM_000053.4(ATP7B):c.748G>A (p.Gly250Arg)

Gene: ATP7B (ATPase copper transporting beta; minus strand). Cytogenetic location: 13q14.3.
Variant type: single nucleotide variant.
Coding change: c.748G>A on transcript NM_000053.4 (MANE Select); coding-DNA position 748, G replaced by A.
Protein change: p.Gly250Arg; replaces glycine 250 with arginine.
Molecular consequence: missense variant.
Genome position (GRCh38, 1-based): chr13:51,974,472, C>T on the plus strand (G>A on the coding strand, the complement: ATP7B is on the minus strand). VCF-style: chr13-51974472-C-T. GRCh37 (hg19) VCF-style: chr13-52548608-C-T.
Other names: c.748G>A, p.Gly250Arg (NM_001005918.3, NM_001243182.2, NM_001330578.2 and 30 more transcripts); c.652G>A, p.Gly218Arg (NM_001406517.1, NM_001406518.1, NM_001406530.1 and 4 more transcripts); short protein forms G218R, G250R.
Identifiers: ClinVar variation 2140354 (VCV002140354.6), dbSNP rs192444554, ClinGen allele CA6989503.

ClinVar aggregate classification (germline): Uncertain significance. Review status: criteria provided, multiple submitters, no conflicts (2 of 4 stars). 5 submissions from 5 submitters: Uncertain significance (5). Last evaluated 2025-06-05.

Conditions:
Wilson disease (WND). Also called: Wilson's disease. Identifiers: Orphanet 905, MedGen C0019202, MONDO:0010200, OMIM 277900. Disease mechanism: loss of function.

Allele frequency attached by ClinVar (database versions not stated): 1000 Genomes Project 30x 0.00016; 1000 Genomes Project 0.00020; TOPMed 0.00002; gnomAD 0.00003; ExAC 0.00005.
gnomAD v4.1: 26 of 1,614,000 alleles (0.0016%); highest among the groups gnomAD compares: East Asian, 0.051%; no homozygotes.

Submissions (5):

Color Diagnostics, LLC DBA Color Health
Classification: Uncertain significance for Wilson disease. Last evaluated: 2025-06-05. Review status: criteria provided, single submitter. Criteria: ACMG Guidelines, 2015. Collection method: clinical testing. Allele origin: germline.
Comment: This missense variant replaces glycine with arginine at codon 250 of the ATP7B protein. Computational prediction suggests that this variant may not impact protein structure and function. To our knowledge, functional studies have not been reported for this variant. This variant has been reported in individuals affected with Wilson disease (PMID: 27398169, 30702195, 34470610, 36253962). One of these individuals also carried a pathogenic variant in unknown phase (PMID: 27398169). This variant has been identified in 10/280418 chromosomes in the general population by the Genome Aggregation Database (gnomAD). The available evidence is insufficient to determine the role of this variant in disease conclusively. Therefore, this variant is classified as a Variant of Uncertain Significance.

Blueprint Genetics
Classification: Uncertain significance. Last evaluated: 2024-02-28. Review status: criteria provided, single submitter. Criteria: ACMG Guidelines, 2015. Collection method: clinical testing. Allele origin: germline.

All of Us Research Program, National Institutes of Health
Classification: Uncertain significance for Wilson disease. Last evaluated: 2023-09-04. Review status: criteria provided, single submitter. Criteria: ACMG Guidelines, 2015. Collection method: clinical testing. Allele origin: germline. Inheritance: Autosomal recessive inheritance. Observed: 3 variant alleles, 3 heterozygotes.
Comment: This missense variant replaces glycine with arginine at codon 250 of the ATP7B protein. Computational prediction suggests that this variant may not impact protein structure and function (internally defined REVEL score threshold <= 0.5, PMID: 27666373). To our knowledge, functional studies have not been reported for this variant. This variant has been reported in individuals affected with Wilson disease (PMID: 27398169, 30702195, 34470610, 36253962). One of these individuals also carried a pathogenic variant in unknown phase (PMID: 27398169). This variant has been identified in 10/280418 chromosomes in the general population by the Genome Aggregation Database (gnomAD). The available evidence is insufficient to determine the role of this variant in disease conclusively. Therefore, this variant is classified as a Variant of Uncertain Significance.

This study involves interpretation of variants in research participants for the purpose of population health screening. Participant phenotype was not available at the time of variant classification. Additional details can be found in publication PMID: 35346344, PMCID: PMC8962531

Labcorp Genetics (formerly Invitae), Labcorp
Classification: Uncertain significance for Wilson disease. Last evaluated: 2022-03-20. Review status: criteria provided, single submitter. Criteria: Invitae Variant Classification Sherloc (09022015). Collection method: clinical testing. Allele origin: germline.
Comment: This sequence change replaces glycine, which is neutral and non-polar, with arginine, which is basic and polar, at codon 250 of the ATP7B protein (p.Gly250Arg). This variant is present in population databases (rs192444554, gnomAD 0.05%). This missense change has been observed in individual(s) with Wilson disease (PMID: 27398169, 34470610). Advanced modeling of protein sequence and biophysical properties (such as structural, functional, and spatial information, amino acid conservation, physicochemical variation, residue mobility, and thermodynamic stability) performed at Invitae indicates that this missense variant is not expected to disrupt ATP7B protein function. In summary, the available evidence is currently insufficient to determine the role of this variant in disease. Therefore, it has been classified as a Variant of Uncertain Significance.

Juno Genomics, Hangzhou Juno Genomics, Inc
Classification: Uncertain significance for Wilson disease. Review status: criteria provided, single submitter. Criteria: ACMG Guidelines, 2015. Collection method: clinical testing. Allele origin: germline.
Comment: Absent from controls (or at extremely low frequency if recessive) in Genome Aggregation Database.;For recessive disorders, detected in trans with a pathogenic variant.;Patient's phenotype or family history is highly specific for a disease with a single genetic etiology.

Literature cited by the submitters: PubMed 27398169 (cited by 3 submitters); PubMed 30702195 (cited by Color Diagnostics, LLC DBA Color Health and All of Us Research Program, National Institutes of Health); PubMed 34470610 (cited by 3 submitters); PubMed 36253962 (cited by Color Diagnostics, LLC DBA Color Health and All of Us Research Program, National Institutes of Health).